The following is an entry in ClinVar:

NM_001127178.3(PIGG):c.712G>A (p.Glu238Lys)

Gene: PIGG (phosphatidylinositol glycan anchor biosynthesis class G (EMM blood group); plus strand). Cytogenetic location: 4p16.3.
Variant type: single nucleotide variant.
Coding change: c.712G>A on transcript NM_001127178.3 (MANE Select); coding-DNA position 712, G replaced by A.
Protein change: p.Glu238Lys; replaces glutamic acid 238 with lysine.
Molecular consequence: missense variant. On other transcripts: 5 prime UTR variant (4), non-coding transcript variant (10), intron variant (1).
Genome position (GRCh38, 1-based): chr4:507,546, G>A. VCF-style: chr4-507546-G-A. GRCh37 (hg19) VCF-style: chr4-501335-G-A.
Other names: c.445G>A, p.Glu149Lys (NM_001289051.2, NM_001289053.2, NM_001289057.2 and 2 more transcripts); c.346G>A, p.Glu116Lys (NM_001289055.2); c.-176G>A (NM_001345988.2); c.712G>A, p.Glu238Lys (NM_001345989.2, NM_017733.5); c.-914G>A (NM_001345990.2); c.-776G>A (NM_001345991.2); c.-501G>A (NM_001345994.2); c.361-1283G>A (NM_001289052.2); short protein forms E238K, E116K, E149K.
Identifiers: ClinVar variation 575404 (VCV000575404.8), dbSNP rs781997463, ClinGen allele CA2793066.

ClinVar aggregate classification (germline): Uncertain significance. Review status: criteria provided, multiple submitters, no conflicts (2 of 4 stars). 4 submissions from 4 submitters: Uncertain significance (4). Last evaluated 2025-10-28.

Conditions:
Inborn genetic diseases. Identifiers: MedGen C0950123, MeSH D030342.
Intellectual disability, autosomal recessive 53 (NEDHSCA). Also called: NEURODEVELOPMENTAL DISORDER WITH OR WITHOUT HYPOTONIA, SEIZURES, AND CEREBELLAR ATROPHY; GLYCOSYLPHOSPHATIDYLINOSITOL BIOSYNTHESIS DEFECT 13; Mental retardation, autosomal recessive 53. Identifiers: Orphanet 488635, MedGen C4310794, MONDO:0014832, OMIM 616917.

Allele frequency attached by ClinVar (database versions not stated): gnomAD 0.00016; gnomAD exomes 0.00004 and 0.00008; ExAC 0.00004; TOPMed 0.00015.
gnomAD v4.1: 87 of 1,613,916 alleles (0.0054%); highest among the groups gnomAD compares: Middle Eastern, 0.083%; 1 homozygote.

Submissions (4):

GeneDx
Classification: Uncertain significance. Last evaluated: 2025-10-28. Review status: criteria provided, single submitter. Criteria: GeneDx Variant Classification Process June 2021. Collection method: clinical testing. Allele origin: germline.
Comment: Reported previously in a family with seizures who also harbored a variant in SCN10A that was thought to be the best candidate variant; additionally, an unaffected parent was reportedly homozygous for this variant in PIGG (PMID: 39574152); In silico analysis supports that this missense variant has a deleterious effect on protein structure/function; This variant is associated with the following publications: (PMID: 39574152)

Labcorp Genetics (formerly Invitae), Labcorp
Classification: Uncertain significance for Intellectual disability, autosomal recessive 53. Last evaluated: 2022-09-27. Review status: criteria provided, single submitter. Criteria: Invitae Variant Classification Sherloc (09022015). Collection method: clinical testing. Allele origin: germline.
Comment: This sequence change replaces glutamic acid, which is acidic and polar, with lysine, which is basic and polar, at codon 238 of the PIGG protein (p.Glu238Lys). This variant is present in population databases (rs781997463, gnomAD 0.04%). This variant has not been reported in the literature in individuals affected with PIGG-related conditions. ClinVar contains an entry for this variant (Variation ID: 575404). Advanced modeling of protein sequence and biophysical properties (such as structural, functional, and spatial information, amino acid conservation, physicochemical variation, residue mobility, and thermodynamic stability) performed at Invitae indicates that this missense variant is expected to disrupt PIGG protein function. In summary, the available evidence is currently insufficient to determine the role of this variant in disease. Therefore, it has been classified as a Variant of Uncertain Significance.

Ambry Genetics
Classification: Uncertain significance for Inborn genetic diseases. Last evaluated: 2022-08-01. Review status: criteria provided, single submitter. Criteria: Ambry Variant Classification Scheme 2023. Collection method: clinical testing. Allele origin: germline.

Baylor Genetics
Classification: Uncertain significance for Intellectual disability, autosomal recessive 53. Last evaluated: 2019-11-14. Review status: criteria provided, single submitter. Criteria: ACMG Guidelines, 2015. Collection method: clinical testing. Allele origin: unknown. Affected: yes.
Comment: This variant was determined to be of uncertain significance according to ACMG Guidelines, 2015 [PMID:25741868].